The following is an entry in ClinVar:

ClinVar aggregate classification (germline): Uncertain significance (0 of 4 stars; one submission).

Conditions:
DCHS2-related disorder. Also called: DCHS2-related condition.

gnomAD v4.1: 2 of 1,526,298 alleles (0.00013%); highest among the groups gnomAD compares: Admixed American, 0.0042%; no homozygotes.

Submission:

PreventionGenetics, part of Exact Sciences
Classification: Uncertain significance for DCHS2-related condition. Last evaluated: 2024-09-15. Review status: no assertion criteria provided. Collection method: clinical testing. Allele origin: germline.
Comment: The DCHS2 c.4190C>T variant is predicted to result in the amino acid substitution p.Ser1397Phe. To our knowledge, this variant has not been reported in the literature. This variant is reported in 0.0088% of alleles in individuals of Latino descent in gnomAD. At this time, the clinical significance of this variant is uncertain due to the absence of conclusive functional and genetic evidence.

NM_001358235.2(DCHS2):c.4190C>T (p.Ser1397Phe)

Gene: DCHS2 (dachsous cadherin-related 2; minus strand). Cytogenetic location: 4q31.3.
Variant type: single nucleotide variant.
Coding change: c.4190C>T on transcript NM_001358235.2 (MANE Select); coding-DNA position 4190, C replaced by T.
Protein change: p.Ser1397Phe; replaces serine 1397 with phenylalanine.
Molecular consequence: missense variant.
Genome position (GRCh38, 1-based): chr4:154,321,209, G>A on the plus strand (C>T on the coding strand, the complement: DCHS2 is on the minus strand). VCF-style: chr4-154321209-G-A. GRCh37 (hg19) VCF-style: chr4-155242361-G-A.
Other names: short protein forms S1397F.
Identifiers: ClinVar variation 3358184 (VCV003358184.1).
Genomic context (GRCh38, chr4:154,321,209, plus strand): 5'-TTCAAATTTTCTGGTATAATTAAATGTCTAATATTCTGAGACATGATTGCTCTCCCTTTG[G>A]ATAGTGGGATCACCTGAAATACGAATAAAAGAGATATTAATTTGGGGTATTTTTAAAACA-3'
Protein context (NP_001345164.1, residues 1387-1407): AVVNIQVIPL[Ser1397Phe]KGRAIMSQNI